The following is an entry in ClinVar:

ClinVar aggregate classification (germline): Pathogenic/Likely pathogenic. Review status: criteria provided, multiple submitters, no conflicts (2 of 4 stars). 5 submissions from 5 submitters: Pathogenic (2); Likely pathogenic (3). Last evaluated 2024-11-01.

Conditions:
Kleefstra syndrome 1 (KLEFS1). Identifiers: Orphanet 261494, MedGen C0795833, MONDO:0027407, OMIM 610253.

Submissions (5):

Clinical Genetics Center, Xinhua Hospital affiliated to Shanghai Jiao Tong University School of Medicine
Classification: Likely pathogenic for Kleefstra syndrome 1. Last evaluated: 2024-11-01. Review status: criteria provided, single submitter. Criteria: ACMG Guidelines, 2015. Collection method: clinical testing. Allele origin: maternal. Affected: yes.
Comment: PM1+PM6+PM2_Supporting+PP3

GeneDx
Classification: Pathogenic. Last evaluated: 2024-09-05. Review status: criteria provided, single submitter. Criteria: GeneDx Variant Classification Process June 2021. Collection method: clinical testing. Allele origin: germline. Affected: yes.
Comment: Not observed at significant frequency in large population cohorts (gnomAD); In silico analysis supports that this missense variant has a deleterious effect on protein structure/function; This variant is associated with the following publications: (PMID: 29276005, 33057194, 35904121, 35982159, 31785789, 28135719)

Greenwood Genetic Center Diagnostic Laboratories, Greenwood Genetic Center
Classification: Likely pathogenic for Kleefstra syndrome 1. Last evaluated: 2023-04-03. Review status: criteria provided, single submitter. Criteria: ACMG Guidelines, 2015. Collection method: clinical testing. Allele origin: germline. Affected: yes.
Comment: PS2, PS4_Supporting, PM2, PP3

HudsonAlpha Institute for Biotechnology
Classification: Likely pathogenic for Kleefstra syndrome 1. Last evaluated: 2016-10-13. Review status: criteria provided, single submitter. Criteria: HA_assertions_20161101. Collection method: research. Allele origin: unknown. Affected: yes. Observed: 1 variant allele. Study: CSER-HudsonAlpha.

Laboratory of Genetics, Children's Clinical University Hospital Latvia
Classification: Pathogenic for Kleefstra syndrome 1. Review status: criteria provided, single submitter. Criteria: ACMG Guidelines, 2015. Collection method: curation. Allele origin: de novo. Affected: yes.
Comment: de novo

Literature cited by the submitters: PubMed 39013458 (cited by Laboratory of Genetics, Children's Clinical University Hospital Latvia).

NM_024757.5(EHMT1):c.3310G>A (p.Glu1104Lys)

Gene: EHMT1 (euchromatic histone lysine methyltransferase 1; plus strand). Cytogenetic location: 9q34.3.
Variant type: single nucleotide variant.
Coding change: c.3310G>A on transcript NM_024757.5 (MANE Select); coding-DNA position 3310, G replaced by A.
Protein change: p.Glu1104Lys; replaces glutamic acid 1104 with lysine.
Molecular consequence: missense variant.
Genome position (GRCh38, 1-based): chr9:137,815,998, G>A. VCF-style: chr9-137815998-G-A. GRCh37 (hg19) VCF-style: chr9-140710450-G-A.
Other names: c.3310G>A (NM_024757.4); c.3289G>A, p.Glu1097Lys (NM_001354263.2); short protein forms E1104K, E1097K.
Identifiers: ClinVar variation 268206 (VCV000268206.6), dbSNP rs886041093, ClinGen allele CA10602698.